The following is an entry in ClinVar:

ClinVar aggregate classification (germline): Pathogenic. Review status: reviewed by expert panel (3 of 4 stars). 3 submissions from 3 submitters: Pathogenic (1). 2 of the submissions do not count toward it. Last evaluated 2017-12-15.

Conditions:
Breast-ovarian cancer, familial, susceptibility to, 1 (BROVCA1). Also called: BRCA1 Hereditary Breast and Ovarian Cancer; OVARIAN CANCER, SUSCEPTIBILITY TO. Identifiers: Orphanet 145, MedGen C2676676, MONDO:0011450, OMIM 604370. Disease mechanism: loss of function.
Hereditary breast ovarian cancer syndrome. Also called: BRCA1- and BRCA2-Associated Hereditary Breast and Ovarian Cancer; Hereditary breast and ovarian cancer syndrome; Hereditary breast and ovarian cancer syndrome (HBOC); Breast and ovarian cancer; Hereditary breast and/or ovarian cancer syndrome; Hereditary breast and ovarian cancer. Identifiers: Orphanet 145, MedGen C0677776, MeSH D061325, MONDO:0003582. Disease mechanism: loss of function.
Familial cancer of breast. Also called: hereditary breast carcinoma; BREAST CANCER, FAMILIAL; Hereditary breast cancer. Identifiers: Orphanet 227535, MedGen C0346153, MONDO:0016419, OMIM 114480. Disease mechanism: loss of function.

Submissions (3):

Evidence-based Network for the Interpretation of Germline Mutant Alleles (ENIGMA)
Classification: Pathogenic for Breast-ovarian cancer, familial, susceptibility to, 1. Last evaluated: 2017-12-15. Review status: reviewed by expert panel. Criteria: ENIGMA BRCA1/2 Classification Criteria (2017-06-29). Collection method: curation. Allele origin: germline. Study: ENIGMA.
Comment: Variant allele predicted to encode a truncated non-functional protein.

Labcorp Genetics (formerly Invitae), Labcorp
Classification: Pathogenic for Hereditary breast ovarian cancer syndrome. Last evaluated: 2024-03-16. Review status: criteria provided, single submitter. Criteria: Invitae Variant Classification Sherloc (09022015). Collection method: clinical testing. Allele origin: germline. Not counted in ClinVar's aggregate classification.
Comment: This sequence change creates a premature translational stop signal (p.Val1833Serfs*7) in the BRCA1 gene. While this is not anticipated to result in nonsense mediated decay, it is expected to disrupt the last 31 amino acid(s) of the BRCA1 protein. This variant is not present in population databases (gnomAD no frequency). This premature translational stop signal has been observed in individual(s) with breast and/or ovarian cancer (PMID: 22217648, 22798144). ClinVar contains an entry for this variant (Variation ID: 55597). Algorithms developed to predict the effect of sequence changes on RNA splicing suggest that this variant may disrupt the consensus splice site. This variant disrupts the C-terminal end of the BRCA1 protein partially including the BRCT domain (residues 1646-1859), which is important for DNA repair activity (PMID: 11573086, 14576433, 15133503, 25652403). While functional studies have not been performed to directly test the effect on BRCA1 protein function, this suggests that disruption of the C-terminal portion of the protein is functionally important. A different truncation (p.Tyr1853*) that lies downstream of this variant has been determined to be pathogenic (PMID: 21922593, 10811118, 11739404, 12400015, 7894493, Invitae). This suggests that variants that disrupt this region of the protein are likely to be causative of disease. For these reasons, this variant has been classified as Pathogenic.

ClinVar Staff, National Center for Biotechnology Information (NCBI)
No classification provided. Condition: Familial cancer of breast. Review status: no classification provided. Collection method: literature only. Allele origin: germline. Affected: yes. Not counted in ClinVar's aggregate classification.

Literature cited by the submitters: PubMed 22217648 (cited by Labcorp Genetics (formerly Invitae), Labcorp); PubMed 22798144 (cited by Labcorp Genetics (formerly Invitae), Labcorp); PubMed 11573086 (cited by Labcorp Genetics (formerly Invitae), Labcorp); PubMed 14576433 (cited by Labcorp Genetics (formerly Invitae), Labcorp); PubMed 15133503 (cited by Labcorp Genetics (formerly Invitae), Labcorp); PubMed 25652403 (cited by Labcorp Genetics (formerly Invitae), Labcorp); PubMed 21922593 (cited by Labcorp Genetics (formerly Invitae), Labcorp); PubMed 10811118 (cited by Labcorp Genetics (formerly Invitae), Labcorp); PubMed 11739404 (cited by Labcorp Genetics (formerly Invitae), Labcorp); PubMed 12400015 (cited by Labcorp Genetics (formerly Invitae), Labcorp); PubMed 7894493 (cited by Labcorp Genetics (formerly Invitae), Labcorp); PubMed 17100994 (cited by ClinVar Staff, National Center for Biotechnology Information (NCBI)).

NM_007294.4(BRCA1):c.5497_5506del (p.Val1833fs)

Gene: BRCA1 (BRCA1 DNA repair associated; minus strand). Cytogenetic location: 17q21.31.
Variant type: Deletion.
Coding change: c.5497_5506del on transcript NM_007294.4 (MANE Select); coding-DNA positions 5497 to 5506, 10 bases deleted (GTGACCCGAG; older notation c.5497_5506delGTGACCCGAG).
Protein change: p.Val1833fs; shifts the reading frame from valine 1833.
Molecular consequence: frameshift variant. On other transcripts: 3 prime UTR variant (1), non-coding transcript variant (1).
Genome position (GRCh38, 1-based): chr17:43,045,764-43,045,773, CTCGGGTCAC deleted on the plus strand (GTGACCCGAG on the coding strand, the reverse complement: BRCA1 is on the minus strand); deleting any 10 consecutive bases within chr17:43,045,764-43,045,774 gives the same sequence; the c. name uses the placement nearest the transcript's 3' end. VCF-style (leftmost placement, unchanged base first): chr17-43045763-TCTCGGGTCAC-T. GRCh37 (hg19) VCF-style: chr17-41197780-TCTCGGGTCAC-T.
Other names: c.5497_5506delGTGACCCGAG (NM_007294.3); c.5163_5172delGGTGACCCGA, p.Val1722Serfs (NM_001407949.1, NM_001407946.1, NM_001407947.1 and 1 more transcripts); c.5160_5169delGGTGACCCGA, p.Val1721Serfs (NM_001407950.1, NM_001407951.1, NM_001407952.1 and 3 more transcripts); c.5157_5166delGGTGACCCGA, p.Val1720Serfs (NM_001407956.1, NM_001407957.1, NM_001407958.1); c.5115_5124delGGTGACCCGA, p.Val1706Serfs (NM_001407959.1); c.5112_5121delGGTGACCCGA, p.Val1705Serfs (NM_001407960.1, NM_001407962.1); c.5109_5118delGGTGACCCGA, p.Val1704Serfs (NM_001407963.1); c.5034_5043delGGTGACCCGA, p.Val1679Serfs (NM_001407964.1); and 78 more; short protein forms V729fs, V1786fs, V1833fs, V1854fs.
Identifiers: ClinVar variation 55599 (VCV000055599.9), dbSNP rs273902775, ClinGen allele CA003666.